The following is an entry in ClinVar:

NM_031308.4(EPPK1):c.6465G>A (p.Ala2155=)

Gene: EPPK1 (epiplakin 1; minus strand). Cytogenetic location: 8q24.3.
Variant type: single nucleotide variant.
Coding change: c.6465G>A on transcript NM_031308.4 (MANE Select); coding-DNA position 6465, G replaced by A.
Protein change: p.Ala2155=; no amino-acid change (alanine 2155 retained).
Molecular consequence: synonymous variant.
Genome position (GRCh38, 1-based): chr8:143,866,789, C>T on the plus strand (G>A on the coding strand, the complement: EPPK1 is on the minus strand). VCF-style: chr8-143866789-C-T. GRCh37 (hg19) VCF-style: chr8-144940957-C-T.
Identifiers: ClinVar variation 3052171 (VCV003052171.2), dbSNP rs202161343, ClinGen allele CA4921743.

ClinVar aggregate classification (germline): Benign (0 of 4 stars; one submission).

Conditions:
EPPK1-related disorder. Also called: EPPK1-related condition.

Allele frequency attached by ClinVar (database versions not stated): ESP Exome Variant Server 0.00024; gnomAD exomes 0.00024; gnomAD 0.00038; ExAC 0.00066; 1000 Genomes Project 30x 0.00172; 1000 Genomes Project 0.00180.
gnomAD v4.1: 427 of 1,613,476 alleles (0.026%); highest among the groups gnomAD compares: East Asian, 0.47%; 3 homozygotes.

Submission:

PreventionGenetics, part of Exact Sciences
Classification: Benign for EPPK1-related condition. Last evaluated: 2021-06-22. Review status: no assertion criteria provided. Collection method: clinical testing. Allele origin: germline.
Comment: This variant is classified as benign based on ACMG/AMP sequence variant interpretation guidelines (Richards et al. 2015 PMID: 25741868, with internal and published modifications).